The following is an entry in ClinVar:

ClinVar aggregate classification (germline): Likely benign. Review status: criteria provided, multiple submitters, no conflicts (2 of 4 stars). 3 submissions from 3 submitters: Likely benign (3). Last evaluated 2026-06-02.

Conditions:
ERCC2-related disorder. Also called: ERCC2-related conditions; ERCC2-related condition; ERCC2-related disorders. Identifiers: MedGen CN239291.
Inborn genetic diseases. Identifiers: MedGen C0950123, MeSH D030342.

Allele frequency attached by ClinVar (database versions not stated): gnomAD 0.00004 and 0.00006; TOPMed 0.00005; 1000 Genomes Project 0.00020; 1000 Genomes Project 30x 0.00031.
gnomAD v4.1: 77 of 1,603,776 alleles (0.0048%); highest among the groups gnomAD compares: East Asian, 0.072%; no homozygotes.

Submissions (3):

PreventionGenetics, part of Exact Sciences
Classification: Likely benign for ERCC2-related condition. Last evaluated: 2026-06-02. Review status: criteria provided, single submitter. Criteria: ACMG Guidelines, 2015. Collection method: clinical testing. Allele origin: germline.
Comment: This variant is classified as likely benign based on ACMG/AMP sequence variant interpretation guidelines (Richards et al. 2015 PMID: 25741868, with internal and published modifications).

Labcorp Genetics (formerly Invitae), Labcorp
Classification: Likely benign. Last evaluated: 2025-12-29. Review status: criteria provided, single submitter. Criteria: Invitae Variant Classification Sherloc (09022015). Collection method: clinical testing. Allele origin: germline.

Ambry Genetics
Classification: Likely benign for Inborn genetic diseases. Last evaluated: 2022-03-18. Review status: criteria provided, single submitter. Criteria: Ambry Variant Classification Scheme 2023. Collection method: clinical testing. Allele origin: germline.

NM_000400.4(ERCC2):c.846G>A (p.Arg282=)

Gene: ERCC2 (ERCC excision repair 2, TFIIH core complex helicase subunit; minus strand). Cytogenetic location: 19q13.32.
Variant type: single nucleotide variant.
Coding change: c.846G>A on transcript NM_000400.4 (MANE Select); coding-DNA position 846, G replaced by A.
Protein change: p.Arg282=; no amino-acid change (arginine 282 retained).
Molecular consequence: synonymous variant.
Genome position (GRCh38, 1-based): chr19:45,364,089, C>T on the plus strand (G>A on the coding strand, the complement: ERCC2 is on the minus strand). VCF-style: chr19-45364089-C-T. GRCh37 (hg19) VCF-style: chr19-45867347-C-T.
Other names: c.774G>A, p.Arg258= (NM_001130867.2).
Identifiers: ClinVar variation 1097102 (VCV001097102.12), dbSNP rs527681176, ClinGen allele CA9513593.